The following is an entry in ClinVar:

ClinVar aggregate classification (germline): Uncertain significance (1 of 4 stars; one submission).

Conditions:
Combined immunodeficiency due to MALT1 deficiency. Also called: Immunodeficiency 12. Identifiers: Orphanet 397964, MedGen C3809583, MONDO:0014197, OMIM 615468.

Submission:

Labcorp Genetics (formerly Invitae), Labcorp
Classification: Uncertain significance for Combined immunodeficiency due to MALT1 deficiency. Last evaluated: 2022-11-22. Review status: criteria provided, single submitter. Criteria: Invitae Variant Classification Sherloc (09022015). Collection method: clinical testing. Allele origin: germline.
Comment: Algorithms developed to predict the effect of missense changes on protein structure and function (SIFT, PolyPhen-2, Align-GVGD) all suggest that this variant is likely to be tolerated. In summary, the available evidence is currently insufficient to determine the role of this variant in disease. Therefore, it has been classified as a Variant of Uncertain Significance. This variant has not been reported in the literature in individuals affected with MALT1-related conditions. This variant is not present in population databases (gnomAD no frequency). This sequence change replaces valine, which is neutral and non-polar, with alanine, which is neutral and non-polar, at codon 619 of the MALT1 protein (p.Val619Ala).

NM_006785.4(MALT1):c.1856T>C (p.Val619Ala)

Gene: MALT1 (MALT1 paracaspase; plus strand). Cytogenetic location: 18q21.32.
Variant type: single nucleotide variant.
Coding change: c.1856T>C on transcript NM_006785.4 (MANE Select); coding-DNA position 1856, T replaced by C.
Protein change: p.Val619Ala; replaces valine 619 with alanine.
Molecular consequence: missense variant.
Genome position (GRCh38, 1-based): chr18:58,744,440, T>C. VCF-style: chr18-58744440-T-C. GRCh37 (hg19) VCF-style: chr18-56411672-T-C.
Other names: c.1823T>C, p.Val608Ala (NM_173844.3); short protein forms V619A, V608A.
Identifiers: ClinVar variation 2000479 (VCV002000479.4), dbSNP rs2511567367, ClinGen allele CA402575946.